The following is an entry in ClinVar:

NM_025114.4(CEP290):c.612C>G (p.Tyr204Ter)

Gene: CEP290 (centrosomal protein 290; minus strand). Cytogenetic location: 12q21.32.
Variant type: single nucleotide variant.
Coding change: c.612C>G on transcript NM_025114.4 (MANE Select); coding-DNA position 612, C replaced by G.
Protein change: p.Tyr204Ter; replaces tyrosine 204 with a stop codon.
Molecular consequence: nonsense.
Genome position (GRCh38, 1-based): chr12:88,130,325, G>C on the plus strand (C>G on the coding strand, the complement: CEP290 is on the minus strand). VCF-style: chr12-88130325-G-C. GRCh37 (hg19) VCF-style: chr12-88524102-G-C.
Other names: short protein forms Y204*.
Identifiers: ClinVar variation 5013571 (VCV005013571.1).

ClinVar aggregate classification (germline): Pathogenic (1 of 4 stars; one submission).

Conditions:
CEP290-related ciliopathy. Also called: CEP290 ciliopathy. Identifiers: MedGen CN305601, MONDO:0100451.

Submission:

Myriad Genetics, Inc.
Classification: Pathogenic for CEP290-related ciliopathy. Last evaluated: 2024-09-19. Review status: criteria provided, single submitter. Criteria: Myriad Autosomal Dominant, Autosomal Recessive and X-Linked Classification Criteria (2023). Collection method: clinical testing. Allele origin: unknown.
Comment: NM_025114.3(CEP290):c.612C>G(Y204*) is expected to be pathogenic in the context of CEP290-related disorders. This variant is predicted to lead to an abnormal or absent protein product due to the creation of a premature termination codon in CEP290, a gene where loss-of-function variants are known to be pathogenic. Please note: this variant was assessed in the context of healthy population screening.